The following is an entry in ClinVar:

NM_003073.5(SMARCB1):c.500+305C>A

Gene: SMARCB1 (SWI/SNF related BAF chromatin remodeling complex subunit B1; plus strand). Cytogenetic location: 22q11.23.
Variant type: single nucleotide variant.
Coding change: c.500+305C>A on transcript NM_003073.5 (MANE Select); 305 bases into the intron after coding-DNA position 500, C replaced by A.
Molecular consequence: intron variant.
Genome position (GRCh38, 1-based): chr22:23,801,386, C>A. VCF-style: chr22-23801386-C-A. GRCh37 (hg19) VCF-style: chr22-24143573-C-A.
Other names: c.554+251C>A (NM_001362877.2); c.527+251C>A (NM_001317946.2); c.473+305C>A (NM_001007468.3).
Identifiers: ClinVar variation 133393 (VCV000133393.5), dbSNP rs35502837, ClinGen allele CA156485.

ClinVar aggregate classification (germline): Likely benign. Review status: criteria provided, multiple submitters, no conflicts (2 of 4 stars). 3 submissions from 3 submitters: Likely benign (2). 1 of the submissions does not count toward it. Last evaluated 2018-07-27.

Allele frequency attached by ClinVar (database versions not stated): 1000 Genomes Project 30x 0.01327; 1000 Genomes Project 0.01358; TOPMed 0.01863; gnomAD 0.02069 and 0.02100; gnomAD exomes 0.02307 and 0.02688; ExAC 0.03459.
gnomAD v4.1: 17,016 of 667,950 alleles (2.5%); highest among the groups gnomAD compares: Middle Eastern, 3.6%; 288 homozygotes.

Submissions (3):

GeneDx
Classification: Likely benign. Last evaluated: 2018-07-27. Review status: criteria provided, single submitter. Criteria: GeneDx Variant Classification Process June 2021. Collection method: clinical testing. Allele origin: germline. Affected: yes.
Comment: This variant is associated with the following publications: (PMID: 24728327)

Breakthrough Genomics
Classification: Likely benign. Review status: criteria provided, single submitter. Criteria: ACMG Guidelines, 2015. Collection method: not provided. Allele origin: germline. Inheritance: Autosomal dominant inheritance. Affected: yes.

ITMI
No classification provided. Condition: AllHighlyPenetrant. Last evaluated: 2013-09-19. Review status: no classification provided. Collection method: reference population. Allele origin: germline. Not counted in ClinVar's aggregate classification.
Comment: Please see associated publication for description of ethnicities

Literature cited by the submitters: PubMed 24728327 (cited by ITMI).